The following is an entry in ClinVar:

NM_001110556.2(FLNA):c.7448A>G (p.Tyr2483Cys)

Gene: FLNA (filamin A; minus strand). Cytogenetic location: Xq28.
Variant type: single nucleotide variant.
Coding change: c.7448A>G on transcript NM_001110556.2 (MANE Select); coding-DNA position 7448, A replaced by G.
Protein change: p.Tyr2483Cys; replaces tyrosine 2483 with cysteine.
Molecular consequence: missense variant.
Genome position (GRCh38, 1-based): chrX:154,349,753, T>C on the plus strand (A>G on the coding strand, the complement: FLNA is on the minus strand). VCF-style: chrX-154349753-T-C. GRCh37 (hg19) VCF-style: chrX-153578121-T-C.
Other names: c.7424A>G, p.Tyr2475Cys (NM_001456.4); short protein forms Y2475C, Y2483C.
Identifiers: ClinVar variation 1042206 (VCV001042206.9), dbSNP rs2067604522, ClinGen allele CA415182208.

ClinVar aggregate classification (germline): Uncertain significance (1 of 4 stars; one submission).

Conditions:
Heterotopia, periventricular, X-linked dominant (PVNH1). Also called: PERIVENTRICULAR NODULAR HETEROTOPIA 1; X-linked periventricular heterotopia; PERIVENTRICULAR NODULAR HETEROTOPIA 4; HETEROTOPIA, PERIVENTRICULAR, 1. Identifiers: Orphanet 2149, Orphanet 82004, MedGen C1848213, MONDO:0010233, OMIM 300049.
Melnick-Needles syndrome (MNS). Also called: MELNICK-NEEDLES OSTEODYSPLASTY; OSTEODYSPLASTY OF MELNICK AND NEEDLES; Melnick-Needles Syndrome (FLNA-MNS). Identifiers: Orphanet 2484, MedGen C0025237, MONDO:0010650, OMIM 309350.
Frontometaphyseal dysplasia (FMD1). Identifiers: Orphanet 1826, MedGen C0265293, MONDO:0015942.
Oto-palato-digital syndrome, type II (OPD2). Also called: OPD II SYNDROME; FACIOPALATOOSSEOUS SYNDROME; Otopalatodigital Syndrome Type 2 (FLNA-OPD2); Otopalatodigital Syndrome, Type II. Identifiers: Orphanet 669, Orphanet 90652, MedGen C1844696, MONDO:0010571, OMIM 304120.

Submission:

Labcorp Genetics (formerly Invitae), Labcorp
Classification: Uncertain significance for Oto-palato-digital syndrome, type II; Heterotopia, periventricular, X-linked dominant; Frontometaphyseal dysplasia; Melnick-Needles syndrome. Last evaluated: 2022-03-25. Review status: criteria provided, single submitter. Criteria: Invitae Variant Classification Sherloc (09022015). Collection method: clinical testing. Allele origin: germline.
Comment: This variant has not been reported in the literature in individuals affected with FLNA-related conditions. This variant is not present in population databases (gnomAD no frequency). This sequence change replaces tyrosine, which is neutral and polar, with cysteine, which is neutral and slightly polar, at codon 2475 of the FLNA protein (p.Tyr2475Cys). ClinVar contains an entry for this variant (Variation ID: 1042206). In summary, the available evidence is currently insufficient to determine the role of this variant in disease. Therefore, it has been classified as a Variant of Uncertain Significance. Advanced modeling of protein sequence and biophysical properties (such as structural, functional, and spatial information, amino acid conservation, physicochemical variation, residue mobility, and thermodynamic stability) performed at Invitae indicates that this missense variant is not expected to disrupt FLNA protein function.